The following is an entry in ClinVar:

NM_001355436.2(SPTB):c.5902del (p.Ser1968fs)

Gene: SPTB (spectrin beta, erythrocytic; minus strand). Cytogenetic location: 14q23.3.
Variant type: Deletion.
Coding change: c.5902del on transcript NM_001355436.2 (MANE Select); coding-DNA position 5902, one base deleted (T; older notation c.5902delT).
Protein change: p.Ser1968fs; shifts the reading frame from serine 1968.
Molecular consequence: frameshift variant.
Genome position (GRCh38, 1-based): chr14:64,769,625, A deleted on the plus strand (T on the coding strand, the reverse complement: SPTB is on the minus strand). VCF-style (leftmost placement, unchanged base first): chr14-64769624-GA-G. GRCh37 (hg19) VCF-style: chr14-65236342-GA-G.
Other names: c.5902del, p.Ser1968fs (NM_001024858.4, NM_001355437.2); short protein forms S1968fs.
Identifiers: ClinVar variation 2438381 (VCV002438381.6), dbSNP rs2503041775, ClinGen allele CA2580088358.

ClinVar aggregate classification (germline): Pathogenic. Review status: criteria provided, multiple submitters, no conflicts (2 of 4 stars). 2 submissions from 2 submitters: Pathogenic (2). Last evaluated 2023-10-11.

Submissions (2):

Labcorp Genetics (formerly Invitae), Labcorp
Classification: Pathogenic. Last evaluated: 2023-10-11. Review status: criteria provided, single submitter. Criteria: Invitae Variant Classification Sherloc (09022015). Collection method: clinical testing. Allele origin: germline.
Comment: This sequence change creates a premature translational stop signal (p.Ser1968Profs*20) in the SPTB gene. It is expected to result in an absent or disrupted protein product. Loss-of-function variants in SPTB are known to be pathogenic (PMID: 1391962, 1498324, 8844207, 26830532, 27292444). This variant is not present in population databases (gnomAD no frequency). This variant has not been reported in the literature in individuals affected with SPTB-related conditions. ClinVar contains an entry for this variant (Variation ID: 2438381). For these reasons, this variant has been classified as Pathogenic.

Revvity Omics, Revvity
Classification: Pathogenic. Last evaluated: 2022-02-28. Review status: criteria provided, single submitter. Criteria: ACMG Guidelines, 2015. Collection method: clinical testing. Allele origin: germline.

Literature cited by the submitters: PubMed 1391962 (cited by Labcorp Genetics (formerly Invitae), Labcorp); PubMed 1498324 (cited by Labcorp Genetics (formerly Invitae), Labcorp); PubMed 8844207 (cited by Labcorp Genetics (formerly Invitae), Labcorp); PubMed 26830532 (cited by Labcorp Genetics (formerly Invitae), Labcorp); PubMed 27292444 (cited by Labcorp Genetics (formerly Invitae), Labcorp).